The following is an entry in ClinVar:

NM_004304.5(ALK):c.2843C>A (p.Pro948His)

Gene: ALK (ALK receptor tyrosine kinase; minus strand). Cytogenetic location: 2p23.2.
Variant type: single nucleotide variant.
Coding change: c.2843C>A on transcript NM_004304.5 (MANE Select); coding-DNA position 2843, C replaced by A.
Protein change: p.Pro948His; replaces proline 948 with histidine.
Molecular consequence: missense variant.
Genome position (GRCh38, 1-based): chr2:29,227,645, G>T on the plus strand (C>A on the coding strand, the complement: ALK is on the minus strand). VCF-style: chr2-29227645-G-T. GRCh37 (hg19) VCF-style: chr2-29450511-G-T.
Other names: short protein forms P948H.
Identifiers: ClinVar variation 2452107 (VCV002452107.2), dbSNP rs2465973644, ClinGen allele CA346468752.
Genomic context (GRCh38, chr2:29,227,645, plus strand): 5'-GGGGTGTACAGGATGCCCAGTGGACTGATGAAGGAAACCCCATCTTCCCCATCCATTTCG[G>T]GGTCATTGTTTGAGGCTGCATTGCCGCCTGAGTAGCAAACCAGAGCAGAGTTTAACATGG-3'
Protein context (NP_004295.2, residues 938-958): IGGNAASNND[Pro948His]EMDGEDGVSF

ClinVar aggregate classification (germline): Uncertain significance (1 of 4 stars; one submission).

Conditions:
Hereditary cancer-predisposing syndrome. Also called: Neoplastic Syndromes, Hereditary; Tumor predisposition; Hereditary neoplastic syndrome; Hereditary Cancer Syndrome. Identifiers: Orphanet 140162, MedGen C0027672, MeSH D009386, MONDO:0015356.

Submission:

Ambry Genetics
Classification: Uncertain significance for Hereditary cancer-predisposing syndrome. Last evaluated: 2022-12-18. Review status: criteria provided, single submitter. Criteria: Ambry Variant Classification Scheme 2023. Collection method: clinical testing. Allele origin: germline.
Comment: The p.P948H variant (also known as c.2843C>A), located in coding exon 17 of the ALK gene, results from a C to A substitution at nucleotide position 2843. The proline at codon 948 is replaced by histidine, an amino acid with similar properties. This amino acid position is conserved. In addition, this alteration is predicted to be tolerated by in silico analysis. Since supporting evidence is limited at this time, the clinical significance of this alteration remains unclear.